The following is an entry in ClinVar:

NM_003982.4(SLC7A7):c.270del (p.Cys89_Tyr90insTer)

Gene: SLC7A7 (solute carrier family 7 member 7; minus strand). Cytogenetic location: 14q11.2.
Variant type: Deletion.
Coding change: c.270del on transcript NM_003982.4 (MANE Select); coding-DNA position 270, one base deleted (T; older notation c.270delT).
Protein change: p.Cys89_Tyr90insTer.
Molecular consequence: nonsense.
Genome position (GRCh38, 1-based): chr14:22,813,129, A deleted on the plus strand (T on the coding strand, the reverse complement: SLC7A7 is on the minus strand). VCF-style (leftmost placement, unchanged base first): chr14-22813128-CA-C. GRCh37 (hg19) VCF-style: chr14-23282337-CA-C.
Other names: c.270del, p.Cys89_Tyr90insTer (NM_001126105.3, NM_001126106.4).
Identifiers: ClinVar variation 3657886 (VCV003657886.2).
Genomic context (GRCh38, chr14:22,813,128, plus strand): 5'-AGGCCTCCAGGATATAGGCATAGCTGGCCCCAGATTTCTTAATGGTGGTGCCCAGTTCCG[CA>C]TAACAAAGGGCCCCAAAGACGGAGAAGAGGCCCCCGACAGCCCAGATGACCAGAGAGAGA-3'

ClinVar aggregate classification (germline): Pathogenic (1 of 4 stars; one submission).

Conditions:
Lysinuric protein intolerance (LPI). Identifiers: Orphanet 470, MedGen C0268647, MONDO:0009109, OMIM 222700.

Submission:

Labcorp Genetics (formerly Invitae), Labcorp
Classification: Pathogenic for Lysinuric protein intolerance. Last evaluated: 2024-07-09. Review status: criteria provided, single submitter. Criteria: Invitae Variant Classification Sherloc (09022015). Collection method: clinical testing. Allele origin: germline.
Comment: This sequence change creates a premature translational stop signal (p.Tyr90*) in the SLC7A7 gene. It is expected to result in an absent or disrupted protein product. Loss-of-function variants in SLC7A7 are known to be pathogenic (PMID: 10631139, 17764084). This variant is not present in population databases (gnomAD no frequency). This variant has not been reported in the literature in individuals affected with SLC7A7-related conditions. For these reasons, this variant has been classified as Pathogenic.

Literature cited by the submitters: PubMed 10631139; PubMed 17764084.